The following is an entry in ClinVar:

NM_017752.3(TBC1D8B):c.2920C>T (p.Leu974Phe)

Gene: TBC1D8B (TBC1 domain family member 8B; plus strand). Cytogenetic location: Xq22.3.
Variant type: single nucleotide variant.
Coding change: c.2920C>T on transcript NM_017752.3 (MANE Select); coding-DNA position 2920, C replaced by T.
Protein change: p.Leu974Phe; replaces leucine 974 with phenylalanine.
Molecular consequence: missense variant.
Genome position (GRCh38, 1-based): chrX:106,870,766, C>T. VCF-style: chrX-106870766-C-T. GRCh37 (hg19) VCF-style: chrX-106113996-C-T.
Other names: p.Leu974Phe; short protein forms L974F.
Identifiers: ClinVar variation 1254057 (VCV001254057.12), dbSNP rs34694710, ClinGen allele CA10483465.

ClinVar aggregate classification (germline): Benign/Likely benign. Review status: criteria provided, multiple submitters, no conflicts (2 of 4 stars). 5 submissions from 5 submitters: Benign (1); Likely benign (3). 1 of the submissions does not count toward it. Last evaluated 2025-12-29.

Conditions:
TBC1D8B-related disorder. Also called: TBC1D8B-related condition.
Nephrotic syndrome, type 20. Identifiers: MedGen C5193011, MONDO:0026726, OMIM 301028.

Allele frequency attached by ClinVar (database versions not stated): 1000 Genomes Project 30x 0.00125; ESP Exome Variant Server 0.00284.
gnomAD v4.1: 439 of 1,202,447 alleles (0.037%); highest among the groups gnomAD compares: African/African-American, 0.61%; no homozygotes.

Submissions (5):

Labcorp Genetics (formerly Invitae), Labcorp
Classification: Benign. Last evaluated: 2025-12-29. Review status: criteria provided, single submitter. Criteria: Invitae Variant Classification Sherloc (09022015). Collection method: clinical testing. Allele origin: germline.

Mayo Clinic Laboratories, Mayo Clinic
Classification: Likely benign. Last evaluated: 2025-06-15. Review status: criteria provided, single submitter. Criteria: ACMG Guidelines, 2015. Collection method: clinical testing. Allele origin: germline. Observed: 2 variant alleles.
Comment: BS2, BP4

Genome-Nilou Lab
Classification: Likely benign for Nephrotic syndrome, type 20. Last evaluated: 2021-07-15. Review status: criteria provided, single submitter. Criteria: ACMG Guidelines, 2015. Collection method: clinical testing. Allele origin: germline. Affected: no.

GeneDx
Classification: Likely benign. Last evaluated: 2021-02-15. Review status: criteria provided, single submitter. Criteria: GeneDx Variant Classification Process June 2021. Collection method: clinical testing. Allele origin: germline. Affected: yes.

PreventionGenetics, part of Exact Sciences
Classification: Likely benign for TBC1D8B-related condition. Last evaluated: 2020-01-21. Review status: no assertion criteria provided. Collection method: clinical testing. Allele origin: germline. Not counted in ClinVar's aggregate classification.
Comment: This variant is classified as likely benign based on ACMG/AMP sequence variant interpretation guidelines (Richards et al. 2015 PMID: 25741868, with internal and published modifications).